The following is an entry in ClinVar:

NM_130384.3(ATRIP):c.2359_2360delinsAG (p.Glu787Arg)

Genes: ATRIP (ATR interacting protein; plus strand), ATRIP-TREX1 (ATRIP-TREX1 readthrough; plus strand), LOC129936704 (ATAC-STARR-seq lymphoblastoid active region 19829; plus strand). Cytogenetic location: 3p21.31.
Variant type: Indel.
Coding change: c.2359_2360delinsAG on transcript NM_130384.3 (MANE Select); coding-DNA positions 2359 to 2360, GA replaced by AG.
Protein change: p.Glu787Arg; replaces glutamic acid 787 with arginine.
Molecular consequence: missense variant. On other transcripts: non-coding transcript variant (1).
Genome position (GRCh38, 1-based): chr3:48,465,537-48,465,538, GA replaced by AG. VCF-style: chr3-48465537-GA-AG. GRCh37 (hg19) VCF-style: chr3-48506936-GA-AG.
Other names: c.-799_-798delGAinsAG (NM_033629.4); c.1978_1979delinsAG, p.Glu660Arg (NM_001271022.2); c.2080_2081delinsAG, p.Glu694Arg (NM_001271023.2); c.2278_2279delinsAG, p.Glu760Arg (NM_032166.4); short protein forms E694R, E787R, E760R, E660R.
Identifiers: ClinVar variation 2985261 (VCV002985261.4), dbSNP rs2530021360, ClinGen allele CA2740094371.
Genomic context (GRCh38, chr3:48,465,537, plus strand): 5'-TTTGTCTCAGAGGCAGCCCTGGATGACCTCTGTGCCGCGGAAACCGATGTGGAAGACCCC[GA>AG]GGTGGAGTGTGGCTGAGGCCCTGAGTGTCCAGCCACATGGTGGCACCAGCACCACTCCTT-3'
Protein context (NP_569055.1, residues 777-791): CAAETDVEDP[Glu787Arg]VECG

ClinVar aggregate classification (germline): Uncertain significance. Review status: criteria provided, multiple submitters, no conflicts (2 of 4 stars). 2 submissions from 2 submitters: Uncertain significance (2). Last evaluated 2025-03-21.

Submissions (2):

Ambry Genetics
Classification: Uncertain significance. Last evaluated: 2025-03-21. Review status: criteria provided, single submitter. Criteria: Ambry Variant Classification Scheme 2023. Collection method: clinical testing. Allele origin: germline.
Comment: The c.2359_2360delGAinsAG variant (also known as p.E787R), located in coding exon 13 of the ATRIP gene, results from an in-frame deletion of GA and insertion of AG at nucleotide positions 2359 to 2360. This results in the substitution of the glutamic acid residue for an arginine residue at codon 787, an amino acid with similar properties. This amino acid position is well conserved in available vertebrate species. The evidence for this gene-disease relationship is limited; therefore, the clinical significance of this alteration is unclear.

Labcorp Genetics (formerly Invitae), Labcorp
Classification: Uncertain significance. Last evaluated: 2025-03-13. Review status: criteria provided, single submitter. Criteria: Invitae Variant Classification Sherloc (09022015). Collection method: clinical testing. Allele origin: germline.
Comment: This sequence change replaces glutamic acid, which is acidic and polar, with arginine, which is basic and polar, at codon 787 of the ATRIP protein (p.Glu787Arg). Information on the frequency of this variant in the gnomAD database is not available, as this variant may be reported differently in the database. This variant has not been reported in the literature in individuals affected with ATRIP-related conditions. ClinVar contains an entry for this variant (Variation ID: 2985261). An algorithm developed to predict the effect of missense changes on protein structure and function (PolyPhen-2) suggests that this variant is likely to be disruptive. In summary, the available evidence is currently insufficient to determine the role of this variant in disease. Therefore, it has been classified as a Variant of Uncertain Significance.